The following is an entry in ClinVar:

ClinVar aggregate classification (germline): Uncertain significance (1 of 4 stars; one submission).

Submission:

GeneDx
Classification: Uncertain significance. Last evaluated: 2023-11-14. Review status: criteria provided, single submitter. Criteria: GeneDx Variant Classification Process June 2021. Collection method: clinical testing. Allele origin: germline. Affected: yes.
Comment: Not observed at significant frequency in large population cohorts (gnomAD); In silico analysis supports that this missense variant has a deleterious effect on protein structure/function; Has not been previously published as pathogenic or benign to our knowledge

NM_002637.4(PHKA1):c.2564C>G (p.Thr855Arg)

Gene: PHKA1 (phosphorylase kinase regulatory subunit alpha 1; minus strand). Cytogenetic location: Xq13.1.
Variant type: single nucleotide variant.
Coding change: c.2564C>G on transcript NM_002637.4 (MANE Select); coding-DNA position 2564, C replaced by G.
Protein change: p.Thr855Arg; replaces threonine 855 with arginine.
Molecular consequence: missense variant.
Genome position (GRCh38, 1-based): chrX:72,609,666, G>C on the plus strand (C>G on the coding strand, the complement: PHKA1 is on the minus strand). VCF-style: chrX-72609666-G-C. GRCh37 (hg19) VCF-style: chrX-71829516-G-C.
Other names: c.2564C>G, p.Thr855Arg (NM_001122670.2, NM_001431068.1); c.2387C>G, p.Thr796Arg (NM_001172436.2); short protein forms T796R, T855R.
Identifiers: ClinVar variation 3364291 (VCV003364291.1).